The following is an entry in ClinVar:

NM_005762.3(TRIM28):c.2359G>A (p.Gly787Ser)

Gene: TRIM28 (tripartite motif containing 28; plus strand). Cytogenetic location: 19q13.43.
Variant type: single nucleotide variant.
Coding change: c.2359G>A on transcript NM_005762.3 (MANE Select); coding-DNA position 2359, G replaced by A.
Protein change: p.Gly787Ser; replaces glycine 787 with serine.
Molecular consequence: missense variant.
Genome position (GRCh38, 1-based): chr19:58,550,404, G>A. VCF-style: chr19-58550404-G-A. GRCh37 (hg19) VCF-style: chr19-59061771-G-A.
Other names: short protein forms G787S.
Identifiers: ClinVar variation 3633190 (VCV003633190.2).
Genomic context (GRCh38, chr19:58,550,404, plus strand): 5'-CCCATTCATCCACTGCATTCCTGCTTGGCCCAGGACAAGGCAGACGTGCAGTCCATCATC[G>A]GCCTGCAGCGCTTCTTCGAGACGCGCATGAACGAGGCCTTCGGTGACACCAAGTTCTCTG-3'
Protein context (NP_005753.1, residues 777-797): EDKADVQSII[Gly787Ser]LQRFFETRMN

ClinVar aggregate classification (germline): Uncertain significance (1 of 4 stars; one submission).

gnomAD v4.1: 3 of 1,613,996 alleles (0.00019%); highest among the groups gnomAD compares: South Asian, 0.0011%; no homozygotes.

Submission:

Labcorp Genetics (formerly Invitae), Labcorp
Classification: Uncertain significance. Last evaluated: 2024-12-30. Review status: criteria provided, single submitter. Criteria: Invitae Variant Classification Sherloc (09022015). Collection method: clinical testing. Allele origin: germline.
Comment: This sequence change replaces glycine, which is neutral and non-polar, with serine, which is neutral and polar, at codon 787 of the TRIM28 protein (p.Gly787Ser). This variant is not present in population databases (gnomAD no frequency). This variant has not been reported in the literature in individuals affected with TRIM28-related conditions. Experimental studies and prediction algorithms are not available or were not evaluated, and the functional significance of this variant is currently unknown. In summary, the available evidence is currently insufficient to determine the role of this variant in disease. Therefore, it has been classified as a Variant of Uncertain Significance.